The following is an entry in ClinVar:

ClinVar aggregate classification (germline): Uncertain significance (1 of 4 stars; one submission).

Conditions:
Hereditary breast ovarian cancer syndrome. Also called: Hereditary breast and ovarian cancer syndrome; Hereditary breast and ovarian cancer syndrome (HBOC); BRCA1- and BRCA2-Associated Hereditary Breast and Ovarian Cancer; Hereditary breast and ovarian cancer; Breast and ovarian cancer; Hereditary breast and/or ovarian cancer syndrome. Identifiers: Orphanet 145, MedGen C0677776, MeSH D061325, MONDO:0003582. Disease mechanism: loss of function.

Submission:

Labcorp Genetics (formerly Invitae), Labcorp
Classification: Uncertain significance for Hereditary breast ovarian cancer syndrome. Last evaluated: 2024-10-30. Review status: criteria provided, single submitter. Criteria: Invitae Variant Classification Sherloc (09022015). Collection method: clinical testing. Allele origin: germline.
Comment: This sequence change replaces aspartic acid, which is acidic and polar, with alanine, which is neutral and non-polar, at codon 214 of the BRCA1 protein (p.Asp214Ala). This variant is not present in population databases (gnomAD no frequency). This variant has not been reported in the literature in individuals affected with BRCA1-related conditions. Invitae Evidence Modeling of protein sequence and biophysical properties (such as structural, functional, and spatial information, amino acid conservation, physicochemical variation, residue mobility, and thermodynamic stability) indicates that this missense variant is not expected to disrupt BRCA1 protein function with a negative predictive value of 80%. In summary, the available evidence is currently insufficient to determine the role of this variant in disease. Therefore, it has been classified as a Variant of Uncertain Significance.

NM_007294.4(BRCA1):c.641A>C (p.Asp214Ala)

Gene: BRCA1 (BRCA1 DNA repair associated; minus strand). Cytogenetic location: 17q21.31.
Variant type: single nucleotide variant.
Coding change: c.641A>C on transcript NM_007294.4 (MANE Select); coding-DNA position 641, A replaced by C.
Protein change: p.Asp214Ala; replaces aspartic acid 214 with alanine.
Molecular consequence: missense variant. On other transcripts: intron variant (115).
Genome position (GRCh38, 1-based): chr17:43,095,875, T>G on the plus strand (A>C on the coding strand, the complement: BRCA1 is on the minus strand). VCF-style: chr17-43095875-T-G. GRCh37 (hg19) VCF-style: chr17-41247892-T-G.
Other names: c.428A>C, p.Asp143Ala (NM_001407571.1, NM_001407853.1, NM_001407894.1 and 12 more transcripts); c.641A>C, p.Asp214Ala (NM_001407581.1, NM_001407582.1, NM_001407583.1 and 58 more transcripts); c.638A>C, p.Asp213Ala (NM_001407591.1, NM_001407587.1, NM_001407590.1 and 41 more transcripts); c.632A>C, p.Asp211Ala (NM_001407646.1, NM_001407647.1, NM_001408408.1); c.563A>C, p.Asp188Ala (NM_001407653.1, NM_001407654.1, NM_001407655.1 and 9 more transcripts); c.560A>C, p.Asp187Ala (NM_001407659.1, NM_001407660.1, NM_001407661.1 and 3 more transcripts); c.500A>C, p.Asp167Ala (NM_001407692.1, NM_001407694.1, NM_001407695.1 and 43 more transcripts); c.497A>C, p.Asp166Ala (NM_001407740.1, NM_001407741.1, NM_001407742.1 and 26 more transcripts); and 17 more; short protein forms D166A, D188A, D214A, D86A, D143A, D213A, D144A, D167A.
Identifiers: ClinVar variation 3634705 (VCV003634705.2).
Genomic context (GRCh38, chr17:43,095,875, plus strand): 5'-TGCCTGTTAAGTTGGCAAACTTTGCCATTACCCTTTTTTGCAGAATCCAAACTGATTTCA[T>G]CCCTGGTTCCTTGAGGGGTGATTTGTAACAATTCTTGATCTCCCACACTATAGGGAAAAG-3'
Protein context (NP_009225.1, residues 204-224): LLQITPQGTR[Asp214Ala]EISLDSAKKA